The following is an entry in ClinVar:

ClinVar aggregate classification (germline): Uncertain significance (1 of 4 stars; one submission).

Conditions:
Hereditary cancer-predisposing syndrome. Also called: Tumor predisposition; Hereditary Cancer Syndrome; Hereditary neoplastic syndrome; Neoplastic Syndromes, Hereditary. Identifiers: Orphanet 140162, MedGen C0027672, MeSH D009386, MONDO:0015356.

Allele frequency attached by ClinVar (database versions not stated): gnomAD exomes below 0.00001; ExAC 0.00001.

Submission:

Ambry Genetics
Classification: Uncertain significance for Hereditary cancer-predisposing syndrome. Last evaluated: 2023-06-30. Review status: criteria provided, single submitter. Criteria: Ambry Variant Classification Scheme 2023. Collection method: clinical testing. Allele origin: germline.
Comment: The p.E491K variant (also known as c.1471G>A), located in coding exon 9 of the MEN1 gene, results from a G to A substitution at nucleotide position 1471. The glutamic acid at codon 491 is replaced by lysine, an amino acid with similar properties. This amino acid position is conserved. In addition, the in silico prediction for this alteration is inconclusive. Since supporting evidence is limited at this time, the clinical significance of this alteration remains unclear.

NM_001370259.2(MEN1):c.1471G>A (p.Glu491Lys)

Gene: MEN1 (menin 1; minus strand). Cytogenetic location: 11q13.1.
Variant type: single nucleotide variant.
Coding change: c.1471G>A on transcript NM_001370259.2 (MANE Select); coding-DNA position 1471, G replaced by A.
Protein change: p.Glu491Lys; replaces glutamic acid 491 with lysine.
Molecular consequence: missense variant. On other transcripts: non-coding transcript variant (4).
Genome position (GRCh38, 1-based): chr11:64,804,696, C>T on the plus strand (G>A on the coding strand, the complement: MEN1 is on the minus strand). VCF-style: chr11-64804696-C-T. GRCh37 (hg19) VCF-style: chr11-64572168-C-T.
Other names: c.1486G>A, p.Glu496Lys (NM_000244.4, NM_001407145.1, NM_130800.3 and 4 more transcripts); c.1597G>A, p.Glu533Lys (NM_001370251.2, NM_001407142.1, NM_001407143.1 and 1 more transcripts); c.1471G>A, p.Glu491Lys (NM_001370260.2, NM_001370261.2, NM_001407146.1 and 2 more transcripts); c.1366G>A, p.Glu456Lys (NM_001370262.2, NM_001370263.2, NM_001407148.1 and 1 more transcripts); c.1612G>A, p.Glu538Lys (NM_001407150.1); c.1492G>A, p.Glu498Lys (NM_001407151.1); c.1306G>A, p.Glu436Lys (NM_001407152.1); short protein forms E436K, E496K, E538K, E456K, E498K, E491K, E533K.
Identifiers: ClinVar variation 2626590 (VCV002626590.2), dbSNP rs753942853, ClinGen allele CA060667.